The following is an entry in ClinVar:

NM_001163809.2(WDR81):c.1485C>T (p.Phe495=)

Gene: WDR81 (WD repeat domain 81; plus strand). Cytogenetic location: 17p13.3.
Variant type: single nucleotide variant.
Coding change: c.1485C>T on transcript NM_001163809.2 (MANE Select); coding-DNA position 1485, C replaced by T.
Protein change: p.Phe495=; no amino-acid change (phenylalanine 495 retained).
Molecular consequence: synonymous variant. On other transcripts: intron variant (3).
Genome position (GRCh38, 1-based): chr17:1,726,444, C>T. VCF-style: chr17-1726444-C-T. GRCh37 (hg19) VCF-style: chr17-1629738-C-T.
Other names: c.-123-1546C>T (NM_152348.4); c.59-3936C>T (NM_001163673.2); c.-15+1658C>T (NM_001163811.2).
Identifiers: ClinVar variation 3388569 (VCV003388569.14).

ClinVar aggregate classification (germline): Likely benign (1 of 4 stars; one submission).

Submission:

CeGaT Center for Human Genetics Tuebingen
Classification: Likely benign. Last evaluated: 2024-10-01. Review status: criteria provided, single submitter. Criteria: CeGaT Center For Human Genetics Tuebingen Variant Classification Criteria Version 2. Collection method: clinical testing. Allele origin: germline. Affected: yes. Observed: 1 variant allele.
Comment: WDR81: BP4, BP7